The following is an entry in ClinVar:

ClinVar aggregate classification (germline): Likely benign. Review status: criteria provided, multiple submitters, no conflicts (2 of 4 stars). 2 submissions from 2 submitters: Likely benign (2). Last evaluated 2026-02-03.

Conditions:
Hereditary cancer-predisposing syndrome. Also called: Neoplastic Syndromes, Hereditary; Tumor predisposition; Hereditary Cancer Syndrome; Hereditary neoplastic syndrome. Identifiers: Orphanet 140162, MedGen C0027672, MeSH D009386, MONDO:0015356.

Submissions (2):

Ambry Genetics
Classification: Likely benign for Hereditary cancer-predisposing syndrome. Last evaluated: 2026-02-03. Review status: criteria provided, single submitter. Criteria: Ambry Variant Classification Scheme 2023. Collection method: clinical testing. Allele origin: germline.

CeGaT Center for Human Genetics Tuebingen
Classification: Likely benign. Last evaluated: 2025-08-01. Review status: criteria provided, single submitter. Criteria: CeGaT Center For Human Genetics Tuebingen Variant Classification Criteria Version 2. Collection method: clinical testing. Allele origin: germline. Affected: yes. Observed: 1 variant allele.
Comment: SMARCA4: PM2:Supporting, BP4, BP7

NM_003072.5(SMARCA4):c.4146A>T (p.Ser1382=)

Gene: SMARCA4 (SWI/SNF related BAF chromatin remodeling complex subunit ATPase 4; plus strand). Cytogenetic location: 19p13.2.
Variant type: single nucleotide variant.
Coding change: c.4146A>T on transcript NM_003072.5 (MANE Select); coding-DNA position 4146, A replaced by T.
Protein change: p.Ser1382=; no amino-acid change (serine 1382 retained).
Molecular consequence: synonymous variant. On other transcripts: non-coding transcript variant (1).
Genome position (GRCh38, 1-based): chr19:11,035,108, A>T. VCF-style: chr19-11035108-A-T. GRCh37 (hg19) VCF-style: chr19-11145784-A-T.
Other names: c.4146A>T, p.Ser1382= (NM_001128844.3, NM_001128849.3, NM_001387283.1); c.4047A>T, p.Ser1349= (NM_001128845.2, NM_001128846.2, NM_001128847.4 and 3 more transcripts); c.4146A>T (NM_001128849.1).
Identifiers: ClinVar variation 4084757 (VCV004084757.8).